The following is an entry in ClinVar:

NM_001145358.2(SIN3A):c.875C>T (p.Thr292Met)

Gene: SIN3A (SIN3 transcription regulator family member A; minus strand). Cytogenetic location: 15q24.2.
Variant type: single nucleotide variant.
Coding change: c.875C>T on transcript NM_001145358.2 (MANE Select); coding-DNA position 875, C replaced by T.
Protein change: p.Thr292Met; replaces threonine 292 with methionine.
Molecular consequence: missense variant.
Genome position (GRCh38, 1-based): chr15:75,411,625, G>A on the plus strand (C>T on the coding strand, the complement: SIN3A is on the minus strand). VCF-style: chr15-75411625-G-A. GRCh37 (hg19) VCF-style: chr15-75703966-G-A.
Other names: c.875C>T (NM_001145358.1); c.875C>T, p.Thr292Met (NM_001145357.2, NM_015477.3); short protein forms T292M.
Identifiers: ClinVar variation 2400988 (VCV002400988.8), dbSNP rs995271451, ClinGen allele CA272893763.

ClinVar aggregate classification (germline): Conflicting classifications of pathogenicity. Review status: criteria provided, conflicting classifications (1 of 4 stars). 2 submissions from 2 submitters: Uncertain significance (1); Likely benign (1). Last evaluated 2022-10-27.

Conditions:
Inborn genetic diseases. Identifiers: MedGen C0950123, MeSH D030342.

Allele frequency attached by ClinVar (database versions not stated): gnomAD 0.00001; gnomAD exomes 0.00002; TOPMed 0.00002.
gnomAD v4.1: 27 of 1,614,056 alleles (0.0017%); highest among the groups gnomAD compares: South Asian, 0.0044%; no homozygotes.

Submissions (2):

Labcorp Genetics (formerly Invitae), Labcorp
Classification: Uncertain significance. Last evaluated: 2022-10-27. Review status: criteria provided, single submitter. Criteria: Invitae Variant Classification Sherloc (09022015). Collection method: clinical testing. Allele origin: germline.
Comment: In summary, the available evidence is currently insufficient to determine the role of this variant in disease. Therefore, it has been classified as a Variant of Uncertain Significance. Advanced modeling of protein sequence and biophysical properties (such as structural, functional, and spatial information, amino acid conservation, physicochemical variation, residue mobility, and thermodynamic stability) performed at Invitae indicates that this missense variant is not expected to disrupt SIN3A protein function. This variant has not been reported in the literature in individuals affected with SIN3A-related conditions. This variant is present in population databases (no rsID available, gnomAD 0.003%). This sequence change replaces threonine, which is neutral and polar, with methionine, which is neutral and non-polar, at codon 292 of the SIN3A protein (p.Thr292Met).

Ambry Genetics
Classification: Likely benign for Inborn genetic diseases. Last evaluated: 2022-08-08. Review status: criteria provided, single submitter. Criteria: Ambry Variant Classification Scheme 2023. Collection method: clinical testing. Allele origin: germline.